The following is an entry in ClinVar:

ClinVar aggregate classification (germline): Uncertain significance (1 of 4 stars; one submission).

Submission:

Labcorp Genetics (formerly Invitae), Labcorp
Classification: Uncertain significance. Last evaluated: 2025-04-25. Review status: criteria provided, single submitter. Criteria: Invitae Variant Classification Sherloc (09022015). Collection method: clinical testing. Allele origin: germline.
Comment: This sequence change replaces serine, which is neutral and polar, with tyrosine, which is neutral and polar, at codon 76 of the FLI1 protein (p.Ser76Tyr). This variant is not present in population databases (gnomAD no frequency). This variant has not been reported in the literature in individuals affected with FLI1-related conditions. ClinVar contains an entry for this variant (Variation ID: 3705576). Invitae Evidence Modeling of protein sequence and biophysical properties (such as structural, functional, and spatial information, amino acid conservation, physicochemical variation, residue mobility, and thermodynamic stability) indicates that this missense variant is not expected to disrupt FLI1 protein function with a negative predictive value of 80%. In summary, the available evidence is currently insufficient to determine the role of this variant in disease. Therefore, it has been classified as a Variant of Uncertain Significance.

NM_002017.5(FLI1):c.227C>A (p.Ser76Tyr)

Gene: FLI1 (Fli-1 proto-oncogene, ETS transcription factor; plus strand). Cytogenetic location: 11q24.3.
Variant type: single nucleotide variant.
Coding change: c.227C>A on transcript NM_002017.5 (MANE Select); coding-DNA position 227, C replaced by A.
Protein change: p.Ser76Tyr; replaces serine 76 with tyrosine.
Molecular consequence: missense variant. On other transcripts: 5 prime UTR variant (1).
Genome position (GRCh38, 1-based): chr11:128,758,323, C>A. VCF-style: chr11-128758323-C-A. GRCh37 (hg19) VCF-style: chr11-128628218-C-A.
Other names: c.128C>A, p.Ser43Tyr (NM_001167681.3); c.-143C>A (NM_001271010.2); c.7C>A, p.Pro3Thr (NM_001271012.2); short protein forms S76Y, S43Y, P3T.
Identifiers: ClinVar variation 3705576 (VCV003705576.2).